The following is an entry in ClinVar:

NM_000092.5(COL4A4):c.2335C>T (p.Pro779Ser)

Gene: COL4A4 (collagen type IV alpha 4 chain; minus strand). Cytogenetic location: 2q36.3.
Variant type: single nucleotide variant.
Coding change: c.2335C>T on transcript NM_000092.5 (MANE Select); coding-DNA position 2335, C replaced by T.
Protein change: p.Pro779Ser; replaces proline 779 with serine.
Molecular consequence: missense variant.
Genome position (GRCh38, 1-based): chr2:227,059,453, G>A on the plus strand (C>T on the coding strand, the complement: COL4A4 is on the minus strand). VCF-style: chr2-227059453-G-A. GRCh37 (hg19) VCF-style: chr2-227924169-G-A.
Other names: short protein forms P779S.
Identifiers: ClinVar variation 2776798 (VCV002776798.3), dbSNP rs886055725, ClinGen allele CA350841898.

ClinVar aggregate classification (germline): Uncertain significance (1 of 4 stars; one submission).

Allele frequency attached by ClinVar (database versions not stated): gnomAD 0.00001.
gnomAD v4.1: 1 of 1,613,944 alleles (0.000062%); highest among the groups gnomAD compares: Non-Finnish European, 0.000085%; no homozygotes.

Submission:

Labcorp Genetics (formerly Invitae), Labcorp
Classification: Uncertain significance. Last evaluated: 2023-12-15. Review status: criteria provided, single submitter. Criteria: Invitae Variant Classification Sherloc (09022015). Collection method: clinical testing. Allele origin: germline.
Comment: This sequence change replaces proline, which is neutral and non-polar, with serine, which is neutral and polar, at codon 779 of the COL4A4 protein (p.Pro779Ser). This variant is not present in population databases (gnomAD no frequency). This variant has not been reported in the literature in individuals affected with COL4A4-related conditions. Advanced modeling of protein sequence and biophysical properties (such as structural, functional, and spatial information, amino acid conservation, physicochemical variation, residue mobility, and thermodynamic stability) performed at Invitae indicates that this missense variant is not expected to disrupt COL4A4 protein function with a negative predictive value of 95%. In summary, the available evidence is currently insufficient to determine the role of this variant in disease. Therefore, it has been classified as a Variant of Uncertain Significance.